The following is an entry in ClinVar:

NM_005862.3(STAG1):c.1279G>A (p.Val427Ile)

Gene: STAG1 (STAG1 cohesin complex component; minus strand). Cytogenetic location: 3q22.3.
Variant type: single nucleotide variant.
Coding change: c.1279G>A on transcript NM_005862.3 (MANE Select); coding-DNA position 1279, G replaced by A.
Protein change: p.Val427Ile; replaces valine 427 with isoleucine.
Molecular consequence: missense variant.
Genome position (GRCh38, 1-based): chr3:136,464,915, C>T on the plus strand (G>A on the coding strand, the complement: STAG1 is on the minus strand). VCF-style: chr3-136464915-C-T. GRCh37 (hg19) VCF-style: chr3-136183757-C-T.
Other names: short protein forms V427I.
Identifiers: ClinVar variation 2662344 (VCV002662344.1), dbSNP rs1231019385, ClinGen allele CA354650730.

ClinVar aggregate classification (germline): Uncertain significance (1 of 4 stars; one submission).

Allele frequency attached by ClinVar (database versions not stated): TOPMed below 0.00001.

Submission:

GeneDx
Classification: Uncertain significance. Last evaluated: 2023-05-12. Review status: criteria provided, single submitter. Criteria: GeneDx Variant Classification Process June 2021. Collection method: clinical testing. Allele origin: germline. Affected: yes.
Comment: Not observed at significant frequency in large population cohorts (gnomAD); In silico analysis supports that this missense variant does not alter protein structure/function; Has not been previously published as pathogenic or benign to our knowledge